The following is an entry in ClinVar:

Single allele

Gene: ZDHHC11 (zDHHC palmitoyltransferase 11; minus strand). Cytogenetic location: 5p15.33.
Variant type: Deletion.
Identifiers: ClinVar variation 156953 (VCV000156953.2).

ClinVar aggregate classification (germline): not provided (0 of 4 stars; one submission).

Conditions:
Preeclampsia. Identifiers: Orphanet 275555, MedGen C0032914, MONDO:0005081, HP:0100602.

Submission:

Institute of Molecular and Cell Biology, University of Tartu
No classification provided. Condition: Preeclampsia. Review status: no classification provided. Collection method: case-control. Allele origin: unknown. Affected: yes. Study: Kasak2014.
Comment: The study aimed to determine the contribution of copy number variants in the genetic etiology of normal and complicated pregnancies. The samples represented (i) maternal blood DNA drawn from healthy pregnant women during 1st or 2nd trimester and (ii) maternal and paternal blood DNA drawn at term pregnancy cases representing normal and complicated gestations (severe preeclampsia, PE; gestational diabetes, GD; small-for-gestational age newborn, SGA; large-for-gestational age newborn, LGA). We performed CNV calling based on genome-wide genotyping dataset (Illumina HumanOmniExpress-24-v1 BeadChip) by applying three algorithms, QuantiSNP, GADA (Genome Alteration Detection Algorithm) and CNstream in parallel. The acquired CNV calls were merged with HD-CNV (Hotspot Detector for Copy Number Variants) program and only the CNVs predicted by at least two programs, were considered in subsequent analysis.

Literature cited by the submitters: PubMed 25666259.